The following is an entry in ClinVar:

ClinVar aggregate classification (germline): Likely benign. Review status: criteria provided, multiple submitters, no conflicts (2 of 4 stars). 3 submissions from 3 submitters: Likely benign (3). Last evaluated 2026-06-09.

Conditions:
Cardiovascular phenotype. Identifiers: MedGen CN230736.

gnomAD v4.1: 2 of 1,549,858 alleles (0.00013%); highest among the groups gnomAD compares: Non-Finnish European, 0.00017%; no homozygotes.

Submissions (3):

Ambry Genetics
Classification: Likely benign for Cardiovascular phenotype. Last evaluated: 2026-06-09. Review status: criteria provided, single submitter. Criteria: Ambry Variant Classification Scheme 2023. Collection method: clinical testing. Allele origin: germline.

Labcorp Genetics (formerly Invitae), Labcorp
Classification: Likely benign. Last evaluated: 2025-11-27. Review status: criteria provided, single submitter. Criteria: Invitae Variant Classification Sherloc (09022015). Collection method: clinical testing. Allele origin: germline.

Mayo Clinic Laboratories, Mayo Clinic
Classification: Likely benign. Last evaluated: 2025-09-05. Review status: criteria provided, single submitter. Criteria: ACMG Guidelines, 2015. Collection method: clinical testing. Allele origin: germline. Observed: 1 variant allele.
Comment: BP4, BP7

NM_001367624.2(ZNF469):c.1884C>G (p.Pro628=)

Gene: ZNF469 (zinc finger protein 469; plus strand). Cytogenetic location: 16q24.2.
Variant type: single nucleotide variant.
Coding change: c.1884C>G on transcript NM_001367624.2 (MANE Select); coding-DNA position 1884, C replaced by G.
Protein change: p.Pro628=; no amino-acid change (proline 628 retained).
Molecular consequence: synonymous variant.
Genome position (GRCh38, 1-based): chr16:88,429,354, C>G. VCF-style: chr16-88429354-C-G. GRCh37 (hg19) VCF-style: chr16-88495762-C-G.
Other names: p.Pro628=; NM_001127464.1:c.1884C>G.
Identifiers: ClinVar variation 2739974 (VCV002739974.5), dbSNP rs2507576549, ClinGen allele CA497352393.